The following is an entry in ClinVar:

ClinVar aggregate classification (germline): Pathogenic (1 of 4 stars; one submission).

Conditions:
Autosomal dominant non-syndromic intellectual disability. Identifiers: Orphanet 178469, MedGen C5680502, MONDO:0015802.

Submission:

Department of Human Genetics, University Hospital Bern, Inselspital
Classification: Pathogenic for Autosomal dominant non-syndromic intellectual disability. Last evaluated: 2026-03-23. Review status: criteria provided, single submitter. Criteria: ACMG Guidelines, 2015. Collection method: clinical testing. Allele origin: de novo. Affected: yes.
Comment: The variant leads to an early stop codon likely resulting in nonsense-mediated mRNA decay. In summary, criteria PVS1, PS2_Supporting and PM2_Supporting were used.

NM_001113407.3(LDB1):c.404dup (p.Ala136fs)

Genes: LDB1 (LIM domain binding 1; minus strand), LOC126861021 (CDK7 strongly-dependent group 2 enhancer GRCh37_chr10:103870016-103871215; plus strand). Cytogenetic location: 10q24.32.
Variant type: Duplication.
Coding change: c.404dup on transcript NM_001113407.3 (MANE Select); coding-DNA position 404, one base duplicated (G; older notation c.404dupG).
Protein change: p.Ala136fs; shifts the reading frame from alanine 136.
Molecular consequence: frameshift variant.
Genome position (GRCh38, 1-based): chr10:102,110,650, C duplicated on the plus strand (G on the coding strand, the reverse complement: LDB1 is on the minus strand); the first of 6 consecutive C bases (chr10:102,110,650-102,110,655); duplicating any one gives the same sequence. VCF-style (leftmost placement, unchanged base first): chr10-102110649-A-AC. GRCh37 (hg19) VCF-style: chr10-103870406-A-AC.
Other names: c.404dup, p.Ala136fs (NM_001321612.2); c.296dup, p.Ala100fs (NM_003893.5); short protein forms A100fs, A136fs.
Identifiers: ClinVar variation 4818732 (VCV004818732.1).